The following is an entry in ClinVar:

NC_000005.9:g.172252136_172274628del

Gene: ERGIC1 (endoplasmic reticulum-golgi intermediate compartment 1; plus strand). Cytogenetic location: 5q35.1.
Variant type: Deletion.
Identifiers: ClinVar variation 1012274 (VCV001012274.3).

ClinVar aggregate classification (germline): Pathogenic (1 of 4 stars; one submission).

Conditions:
Arthrogryposis multiplex congenita (AMC). Also called: Guérin-Stern syndrome; Congenital multiple arthrogryposis; Fibrous ankylosis of multiple joints; Congenital arthromyodysplasia; Myodystrophia fetalis deformans; Otto syndrome. Identifiers: Orphanet 1037, MedGen C5779613, MeSH D001176, MONDO:0015168, HP:0002804.

Submission:

Center of Genomic medicine, Geneva, University Hospital of Geneva
Classification: Pathogenic for Arthrogryposis multiplex congenita. Last evaluated: 2021-03-05. Review status: criteria provided, single submitter. Criteria: ACMG Guidelines, 2015. Collection method: clinical testing. Allele origin: inherited. Inheritance: Autosomal recessive inheritance. Affected: yes. Observed: 1 variant allele, 1 homozygote.
Comment: RNA analysis has shown that this variant completely abolishes mRNA expression of ERGIC1 when present in a homozygous state, while heterozygous presence of this variant causes a reduced expression of ERGIC mRNA.

Literature cited by the submitters: PubMed 28317099; PubMed 31230720.